The following is an entry in ClinVar:

NM_006080.3(SEMA3A):c.1141-11_1141-6del

Gene: SEMA3A (semaphorin 3A; minus strand). Cytogenetic location: 7q21.11.
Variant type: Deletion.
Coding change: c.1141-11_1141-6del on transcript NM_006080.3 (MANE Select); 11 bases into the intron before coding-DNA position 1141 through 6 bases into the intron before coding-DNA position 1141, 6 bases deleted (TATCTT; older notation c.1141-11_1141-6delTATCTT).
Molecular consequence: intron variant.
Genome position (GRCh38, 1-based): chr7:84,005,564-84,005,569, AAGATA deleted on the plus strand (TATCTT on the coding strand, the reverse complement: SEMA3A is on the minus strand); deleting any 6 consecutive bases within chr7:84,005,564-84,005,573 gives the same sequence; the c. name uses the placement nearest the transcript's 3' end. VCF-style (leftmost placement, unchanged base first): chr7-84005563-TAAGATA-T. GRCh37 (hg19) VCF-style: chr7-83634879-TAAGATA-T.
Identifiers: ClinVar variation 4994906 (VCV004994906.1).

ClinVar aggregate classification (germline): Likely benign (1 of 4 stars; one submission).

Conditions:
SEMA3A-related disorder. Also called: SEMA3A-related condition.

Submission:

PreventionGenetics, part of Exact Sciences
Classification: Likely benign for SEMA3A-related condition. Last evaluated: 2026-08-20. Review status: criteria provided, single submitter. Criteria: ACMG Guidelines, 2015. Collection method: clinical testing. Allele origin: germline.
Comment: This variant is classified as likely benign based on ACMG/AMP sequence variant interpretation guidelines (Richards et al. 2015 PMID: 25741868, with internal and published modifications).